The following is an entry in ClinVar:

NM_014254.3(RXYLT1):c.846A>T (p.Arg282Ser)

Gene: RXYLT1 (ribitol xylosyltransferase 1; plus strand). Cytogenetic location: 12q14.2.
Variant type: single nucleotide variant.
Coding change: c.846A>T on transcript NM_014254.3 (MANE Select); coding-DNA position 846, A replaced by T.
Protein change: p.Arg282Ser; replaces arginine 282 with serine.
Molecular consequence: missense variant.
Genome position (GRCh38, 1-based): chr12:63,805,336, A>T. VCF-style: chr12-63805336-A-T. GRCh37 (hg19) VCF-style: chr12-64199116-A-T.
Other names: c.66A>T, p.Arg22Ser (NM_001278237.2); short protein forms R22S, R282S.
Identifiers: ClinVar variation 1363334 (VCV001363334.3), dbSNP rs767726244, ClinGen allele CA6666191.

ClinVar aggregate classification (germline): Uncertain significance (1 of 4 stars; one submission).

Allele frequency attached by ClinVar (database versions not stated): gnomAD exomes below 0.00001; ExAC 0.00001; TOPMed 0.00002; gnomAD 0.00003 and 0.00004.

Submission:

Labcorp Genetics (formerly Invitae), Labcorp
Classification: Uncertain significance. Last evaluated: 2022-07-19. Review status: criteria provided, single submitter. Criteria: Invitae Variant Classification Sherloc (09022015). Collection method: clinical testing. Allele origin: germline.
Comment: This sequence change replaces arginine, which is basic and polar, with serine, which is neutral and polar, at codon 282 of the RXYLT1 protein (p.Arg282Ser). This variant is present in population databases (rs767726244, gnomAD 0.007%). This variant has not been reported in the literature in individuals affected with RXYLT1-related conditions. ClinVar contains an entry for this variant (Variation ID: 1363334). Algorithms developed to predict the effect of missense changes on protein structure and function (SIFT, PolyPhen-2, Align-GVGD) all suggest that this variant is likely to be disruptive. In summary, the available evidence is currently insufficient to determine the role of this variant in disease. Therefore, it has been classified as a Variant of Uncertain Significance.